The following is an entry in ClinVar:

ClinVar aggregate classification (germline): Uncertain significance (1 of 4 stars; one submission).

Conditions:
Duchenne muscular dystrophy (DMD). Also called: MUSCULAR DYSTROPHY, PSEUDOHYPERTROPHIC PROGRESSIVE, DUCHENNE TYPE; Duchenne Muscular Dystrophy (DMD). Identifiers: Orphanet 98896, MedGen C0013264, MONDO:0010679, OMIM 310200.

gnomAD v4.1: 1 of 1,208,304 alleles (0.000083%); highest among the groups gnomAD compares: Non-Finnish European, 0.00011%; no homozygotes.

Submission:

Labcorp Genetics (formerly Invitae), Labcorp
Classification: Uncertain significance for Duchenne muscular dystrophy. Last evaluated: 2024-04-25. Review status: criteria provided, single submitter. Criteria: Invitae Variant Classification Sherloc (09022015). Collection method: clinical testing. Allele origin: germline.
Comment: This sequence change replaces glutamic acid, which is acidic and polar, with alanine, which is neutral and non-polar, at codon 475 of the DMD protein (p.Glu475Ala). This variant is not present in population databases (gnomAD no frequency). This variant has not been reported in the literature in individuals affected with DMD-related conditions. Advanced modeling of protein sequence and biophysical properties (such as structural, functional, and spatial information, amino acid conservation, physicochemical variation, residue mobility, and thermodynamic stability) performed at Invitae indicates that this missense variant is not expected to disrupt DMD protein function with a negative predictive value of 95%. In summary, the available evidence is currently insufficient to determine the role of this variant in disease. Therefore, it has been classified as a Variant of Uncertain Significance.

NM_004006.3(DMD):c.1424A>C (p.Glu475Ala)

Gene: DMD (dystrophin; minus strand). Cytogenetic location: Xp21.1.
Variant type: single nucleotide variant.
Coding change: c.1424A>C on transcript NM_004006.3 (MANE Select); coding-DNA position 1424, A replaced by C.
Protein change: p.Glu475Ala; replaces glutamic acid 475 with alanine.
Molecular consequence: missense variant.
Genome position (GRCh38, 1-based): chrX:32,614,361, T>G on the plus strand (A>C on the coding strand, the complement: DMD is on the minus strand). VCF-style: chrX-32614361-T-G. GRCh37 (hg19) VCF-style: chrX-32632478-T-G.
Other names: c.1400A>C, p.Glu467Ala (NM_000109.4); c.1412A>C, p.Glu471Ala (NM_004009.3); c.1055A>C, p.Glu352Ala (NM_004010.3); short protein forms E352A, E467A, E471A, E475A.
Identifiers: ClinVar variation 3653681 (VCV003653681.2).
Genomic context (GRCh38, chrX:32,614,361, plus strand): 5'-ACCTTATGTTGTTGTACTTGGCGTTTTAGGTCTTCAAGATCAGGTCCAAGAGGCTCTTCC[T>G]CCATTTTCCTTGTTCTTTCTTCTGTTTTTGTTAGCCAGTCATTCAACTCTTTCAGTTTCT-3'
Protein context (NP_003997.2, residues 465-485): TKTEERTRKM[Glu475Ala]EEPLGPDLED